The following is an entry in ClinVar:

ClinVar aggregate classification (germline): Pathogenic (1 of 4 stars; one submission).

Conditions:
VPS13A-related neurodegenerative disease. Also called: ACANTHOCYTOSIS WITH NEUROLOGIC DISORDER; LEVINE-CRITCHLEY SYNDROME; Choreoacanthocytosis; Chorea-acanthocytosis; Choreaacanthocytosis; VPS13A Disease. Identifiers: Orphanet 2388, MedGen C0393576, MONDO:0008695, OMIM 200150.

Submission:

Myriad Genetics, Inc.
Classification: Pathogenic for VPS13A-related neurodegenerative disease. Last evaluated: 2024-05-14. Review status: criteria provided, single submitter. Criteria: Myriad Autosomal Dominant, Autosomal Recessive and X-Linked Classification Criteria (2023). Collection method: clinical testing. Allele origin: unknown.
Comment: NM_033305.2(VPS13A):c.5762del1ins6(R1921Hfs*3) is expected to be pathogenic in the context of VPS13A disease. This variant is predicted to lead to an abnormal or absent protein product due to the creation of a premature termination codon in VPS13A, a gene where loss-of-function variants are known to be pathogenic. Please note: this variant was assessed in the context of healthy population screening.

NM_033305.3(VPS13A):c.5762delinsATACTT (p.Arg1921fs)

Gene: VPS13A (vacuolar protein sorting 13 homolog A; plus strand). Cytogenetic location: 9q21.2.
Variant type: Indel.
Coding change: c.5762delinsATACTT on transcript NM_033305.3 (MANE Select); coding-DNA position 5762, G replaced by ATACTT.
Protein change: p.Arg1921fs; shifts the reading frame from arginine 1921.
Molecular consequence: frameshift variant.
Genome position (GRCh38, 1-based): chr9:77,321,678, G replaced by ATACTT. VCF-style: chr9-77321678-G-ATACTT. GRCh37 (hg19) VCF-style: chr9-79936594-G-ATACTT.
Other names: c.5645delinsATACTT, p.Arg1882fs (NM_001018037.2); c.5762delinsATACTT, p.Arg1921fs (NM_001018038.3, NM_015186.4); short protein forms R1882fs, R1921fs.
Identifiers: ClinVar variation 5010758 (VCV005010758.1).
Genomic context (GRCh38, chr9:77,321,678, plus strand): 5'-TTCCTATGGCAAAATCATATGTATTGAAAAATGGAGAAAGTTTAAGTATGGATTATATCC[G>ATACTT]AACCAAGGACAATGATCATTTCAATGCAATGACCAGCCTAAGCAGCAAACTCTTCTTCAT-3'